The following is an entry in ClinVar:

ClinVar aggregate classification (germline): Uncertain significance (1 of 4 stars; one submission).

Conditions:
Familial hemophagocytic lymphohistiocytosis 2 (FHL2). Also called: PRF1-Related Familial Hemophagocytic Lymphohistiocytosis (PRF1-fHLH). Identifiers: Orphanet 540, MedGen C1863727, MONDO:0011337, OMIM 603553.

Submission:

Myriad Genetics, Inc.
Classification: Uncertain significance for Familial hemophagocytic lymphohistiocytosis 2. Last evaluated: 2025-11-06. Review status: criteria provided, single submitter. Criteria: Myriad Autosomal Dominant, Autosomal Recessive and X-Linked Classification Criteria (2023). Collection method: clinical testing. Allele origin: unknown.
Comment: NM_001083116.1(PRF1):c.1410_1412dupGCT(L472dup) is an in-frame insertion classified as a variant of uncertain significance in the context of familial hemophagocytic lymphohistiocytosis, PRF1-related. L472dup has not been observed in cases with relevant disease. Relevant functional assessments of this variant are not available in the literature. L472dup has not been observed in referenced population frequency databases. In summary, there is insufficient evidence to classify NM_001083116.1(PRF1):c.1410_1412dupGCT(L472dup) as pathogenic or benign. Please note: this variant was assessed in the context of healthy population screening.

NM_001083116.3(PRF1):c.1410_1412dup (p.Leu472_Ala473insLeu)

Gene: PRF1 (perforin 1; minus strand). Cytogenetic location: 10q22.1.
Variant type: Duplication.
Coding change: c.1410_1412dup on transcript NM_001083116.3 (MANE Select); coding-DNA positions 1410 to 1412, 3 bases duplicated (GCT; older notation c.1410_1412dupGCT).
Protein change: p.Leu472_Ala473insLeu.
Molecular consequence: inframe insertion.
Genome position (GRCh38, 1-based): chr10:70,598,309-70,598,311, AGC duplicated on the plus strand (GCT on the coding strand, the reverse complement: PRF1 is on the minus strand); duplicating any 3 consecutive bases within chr10:70,598,309-70,598,312 gives the same sequence; the c. name uses the placement nearest the transcript's 3' end. VCF-style (leftmost placement, unchanged base first): chr10-70598308-G-GAGC. GRCh37 (hg19) VCF-style: chr10-72358064-G-GAGC.
Other names: c.1410_1412dup, p.Leu472_Ala473insLeu (NM_005041.6).
Identifiers: ClinVar variation 5004272 (VCV005004272.1).